The following is an entry in ClinVar:

NM_001353345.2(SETD1B):c.4931G>C (p.Arg1644Pro)

Gene: SETD1B (SET domain containing 1B, histone lysine methyltransferase; plus strand). Cytogenetic location: 12q24.31.
Variant type: single nucleotide variant.
Coding change: c.4931G>C on transcript NM_001353345.2 (MANE Select); coding-DNA position 4931, G replaced by C.
Protein change: p.Arg1644Pro; replaces arginine 1644 with proline.
Molecular consequence: missense variant.
Genome position (GRCh38, 1-based): chr12:121,823,510, G>C. VCF-style: chr12-121823510-G-C. GRCh37 (hg19) VCF-style: chr12-122261416-G-C.
Other names: NM_015048.1:c.4802G>C; c.4931G>C (NM_001353345.1); short protein forms R1644P.
Identifiers: ClinVar variation 2237448 (VCV002237448.4), dbSNP rs1029023191, ClinGen allele CA387000215.

ClinVar aggregate classification (germline): Conflicting classifications of pathogenicity. Review status: criteria provided, conflicting classifications (1 of 4 stars). 3 submissions from 3 submitters: Uncertain significance (2); Likely benign (1). Last evaluated 2025-02-05.

Conditions:
SETD1B-related disorder. Also called: SETD1B-related condition.
Inborn genetic diseases. Identifiers: MedGen C0950123, MeSH D030342.

gnomAD v4.1: 1 of 1,550,714 alleles (0.000064%); no homozygotes.

Submissions (3):

PreventionGenetics, part of Exact Sciences
Classification: Uncertain significance for SETD1B-related condition. Last evaluated: 2025-02-05. Review status: criteria provided, single submitter. Criteria: ACMG Guidelines, 2015. Collection method: clinical testing. Allele origin: germline.
Comment: The SETD1B c.4931G>C variant is predicted to result in the amino acid substitution p.Arg1644Pro. To our knowledge, this variant has not been reported in the literature or in a large population database (gnomAD). However, at PreventionGenetics, we have detected this variant in 0.025% of alleles, including eight homozygotes, which is more common than expected for an undocumented cause of disease. Although we suspect that this variant may be benign, at this time, the clinical significance is uncertain due to the absence of conclusive functional and genetic evidence.

Blueprint Genetics
Classification: Likely benign. Last evaluated: 2024-11-27. Review status: criteria provided, single submitter. Criteria: ACMG Guidelines, 2015. Collection method: clinical testing. Allele origin: germline.

Ambry Genetics
Classification: Uncertain significance for Inborn genetic diseases. Last evaluated: 2021-07-14. Review status: criteria provided, single submitter. Criteria: Ambry Variant Classification Scheme 2023. Collection method: clinical testing. Allele origin: germline.